The following is an entry in ClinVar:

ClinVar aggregate classification (germline): Pathogenic. Review status: criteria provided, multiple submitters, no conflicts (2 of 4 stars). 9 submissions from 8 submitters: Pathogenic (6). 3 of the submissions do not count toward it. Last evaluated 2025-12-14.

Conditions:
USH2A-related disorder. Also called: USH2A-related condition; USH2A-related disorders. Identifiers: MedGen CN239332.
Rare genetic deafness. Identifiers: Orphanet 96210, MedGen C5680250.
Retinitis pigmentosa 39 (RP39). Identifiers: Orphanet 791, MedGen C3151138, MONDO:0013436, OMIM 613809.
Usher syndrome type 2A. Also called: USHER SYNDROME, TYPE IIA; RETINAL DISEASE IN USHER SYNDROME TYPE IIA, MODIFIER OF. Identifiers: Orphanet 231178, Orphanet 886, MedGen C1848634, MONDO:0010169, OMIM 276901.

Allele frequency attached by ClinVar (database versions not stated): gnomAD exomes below 0.00001.

Submissions (9):

Labcorp Genetics (formerly Invitae), Labcorp
Classification: Pathogenic. Last evaluated: 2025-12-14. Review status: criteria provided, single submitter. Criteria: Invitae Variant Classification Sherloc (09022015). Collection method: clinical testing. Allele origin: germline.
Comment: This sequence change creates a premature translational stop signal (p.Thr967Leufs*44) in the USH2A gene. It is expected to result in an absent or disrupted protein product. Loss-of-function variants in USH2A are known to be pathogenic (PMID: 10729113, 10909849, 20507924, 25649381). This variant is not present in population databases (gnomAD no frequency). This premature translational stop signal has been observed in individual(s) with Usher syndrome type IIa (PMID: 9624053). This variant is also known as 2913delG. ClinVar contains an entry for this variant (Variation ID: 2352). For these reasons, this variant has been classified as Pathogenic.

Blueprint Genetics
Classification: Pathogenic for USH2A-related disorders. Last evaluated: 2024-06-12. Review status: criteria provided, single submitter. Criteria: ACMG Guidelines, 2015. Collection method: clinical testing. Allele origin: germline. Affected: yes. Observed: 2 variant alleles.

Genome-Nilou Lab
Classification: Pathogenic for Retinitis pigmentosa 39. Last evaluated: 2023-11-04. Review status: criteria provided, single submitter. Criteria: ACMG Guidelines, 2015. Collection method: clinical testing. Allele origin: germline. Affected: no.

Genome-Nilou Lab
Classification: Pathogenic for Usher syndrome type 2A. Last evaluated: 2023-11-04. Review status: criteria provided, single submitter. Criteria: ACMG Guidelines, 2015. Collection method: clinical testing. Allele origin: germline. Affected: no.

Baylor Genetics
Classification: Pathogenic for Retinitis pigmentosa 39. Last evaluated: 2023-03-20. Review status: criteria provided, single submitter. Criteria: ACMG Guidelines, 2015. Collection method: clinical testing. Allele origin: unknown.

Laboratory for Molecular Medicine, Mass General Brigham Personalized Medicine
Classification: Pathogenic for Rare genetic deafness. Last evaluated: 2012-11-05. Review status: criteria provided, single submitter. Criteria: LMM Criteria. Collection method: clinical testing. Allele origin: germline. Inheritance: Autosomal recessive inheritance. Observed: 1 variant allele.
Comment: The Thr967fs variant in USH2A has been reported in at least three individuals wi th Usher syndrome, two of whom were homozygous, and was found to segregate with disease in one affected family member (Eudy 1998, Weston 2000, Seyedahmadi 2004, Jaijo 2010). This frameshift variant is predicted to alter the protein?s amino acid sequence beginning at position 967 and lead to a premature termination cod on 44 amino acids downstream. This alteration is then predicted to lead to a tru ncated or absent protein. In summary, this variant meets our criteria to be clas sified as pathogenic.

Natera, Inc.
Classification: Pathogenic for Usher syndrome type 2A. Last evaluated: 2020-11-20. Review status: no assertion criteria provided. Collection method: clinical testing. Allele origin: germline. Not counted in ClinVar's aggregate classification.

Counsyl
Classification: Pathogenic for Usher syndrome type 2A; Retinitis pigmentosa 39. Last evaluated: 2017-12-24. Review status: no assertion criteria provided. Collection method: clinical testing. Allele origin: unknown. Not counted in ClinVar's aggregate classification.

OMIM
Classification: Pathogenic for USHER SYNDROME, TYPE IIA. Last evaluated: 2000-04-01. Review status: no assertion criteria provided. Collection method: literature only. Allele origin: germline. Not counted in ClinVar's aggregate classification.

Literature cited by the submitters: PubMed 10729113 (cited by 4 submitters); PubMed 10909849 (cited by Labcorp Genetics (formerly Invitae), Labcorp); PubMed 20507924 (cited by Labcorp Genetics (formerly Invitae), Labcorp); PubMed 25649381 (cited by Labcorp Genetics (formerly Invitae), Labcorp); PubMed 9624053 (cited by 3 submitters); PubMed 15325563 (cited by Laboratory for Molecular Medicine, Mass General Brigham Personalized Medicine); PubMed 19683999 (cited by Laboratory for Molecular Medicine, Mass General Brigham Personalized Medicine and Counsyl).

NM_206933.4(USH2A):c.2898del (p.Thr967fs)

Genes: USH2A (usherin; minus strand), USH2A-AS1 (USH2A antisense RNA 1; plus strand). Cytogenetic location: 1q41.
Variant type: Deletion.
Coding change: c.2898del on transcript NM_206933.4 (MANE Select); coding-DNA position 2898, one base deleted (G; older notation c.2898delG).
Protein change: p.Thr967fs; shifts the reading frame from threonine 967.
Molecular consequence: frameshift variant.
Genome position (GRCh38, 1-based): chr1:216,232,048, C deleted on the plus strand (G on the coding strand, the reverse complement: USH2A is on the minus strand). VCF-style (leftmost placement, unchanged base first): chr1-216232047-TC-T. GRCh37 (hg19) VCF-style: chr1-216405389-TC-T.
Other names: p.Thr967fs; c.2898del, p.Thr967fs (NM_007123.6); short protein forms T967fs.
Identifiers: ClinVar variation 2352 (VCV000002352.15), dbSNP rs397518008, ClinGen allele CA252227.